The following is an entry in ClinVar:

ClinVar aggregate classification (germline): Uncertain significance (1 of 4 stars; one submission).

Conditions:
Lipoic acid synthetase deficiency. Also called: HYPERGLYCINEMIA, LACTIC ACIDOSIS, AND SEIZURES. Identifiers: Orphanet 401859, MedGen C3280887, MONDO:0013762, OMIM 614462.

Submission:

Labcorp Genetics (formerly Invitae), Labcorp
Classification: Uncertain significance for Lipoic acid synthetase deficiency. Last evaluated: 2020-09-07. Review status: criteria provided, single submitter. Criteria: Invitae Variant Classification Sherloc (09022015). Collection method: clinical testing. Allele origin: germline.
Comment: A gross duplication of the genomic region encompassing the full coding sequence of the LIAS gene has been identified. The boundaries of this event are unknown as the duplication extends beyond the assayed region for this gene and therefore may encompass additional genes. As the precise location of this duplication is unknown, it may be in tandem or it may be located elsewhere in the genome. This variant has not been reported in the literature in individuals with LIAS-related disease. In summary, the available evidence is currently insufficient to determine the role of this variant in disease. Therefore, it has been classified as a Variant of Uncertain Significance.

NC_000004.11:g.(?_39460738)_(39478735_?)dup

Gene: LIAS (lipoic acid synthetase; plus strand). Cytogenetic location: 4p14.
Variant type: Duplication.
Identifiers: ClinVar variation 1040780 (VCV001040780.1).